The following is an entry in ClinVar:

NM_017819.4(TRMT10C):c.164C>T (p.Thr55Ile)

Gene: TRMT10C (tRNA methyltransferase 10C, mitochondrial RNase P subunit; plus strand). Cytogenetic location: 3q12.3.
Variant type: single nucleotide variant.
Coding change: c.164C>T on transcript NM_017819.4 (MANE Select); coding-DNA position 164, C replaced by T.
Protein change: p.Thr55Ile; replaces threonine 55 with isoleucine.
Molecular consequence: missense variant.
Genome position (GRCh38, 1-based): chr3:101,564,945, C>T. VCF-style: chr3-101564945-C-T. GRCh37 (hg19) VCF-style: chr3-101283789-C-T.
Other names: short protein forms T55I.
Identifiers: ClinVar variation 5009894 (VCV005009894.1).

ClinVar aggregate classification (germline): Uncertain significance (1 of 4 stars; one submission).

gnomAD v4.1: 28 of 1,613,752 alleles (0.0017%); highest among the groups gnomAD compares: Non-Finnish European, 0.0024%; no homozygotes.

Submission:

GeneDx
Classification: Uncertain significance. Last evaluated: 2026-02-25. Review status: criteria provided, single submitter. Criteria: GeneDx Variant Classification Process June 2021. Collection method: clinical testing. Allele origin: germline.
Comment: Not observed at significant frequency in large population cohorts (gnomAD); In silico analysis suggests that this missense variant does not alter protein structure/function; Has not been previously published as pathogenic or benign to our knowledge; Variants in candidate genes are classified as variants of uncertain significance in accordance with ACMG guidelines (PMID: 25741868)